The following is an entry in ClinVar:

NM_019892.6(INPP5E):c.103C>T (p.Arg35Cys)

Gene: INPP5E (inositol polyphosphate-5-phosphatase E; minus strand). Cytogenetic location: 9q34.3.
Variant type: single nucleotide variant.
Coding change: c.103C>T on transcript NM_019892.6 (MANE Select); coding-DNA position 103, C replaced by T.
Protein change: p.Arg35Cys; replaces arginine 35 with cysteine.
Molecular consequence: missense variant.
Genome position (GRCh38, 1-based): chr9:136,439,317, G>A on the plus strand (C>T on the coding strand, the complement: INPP5E is on the minus strand). VCF-style: chr9-136439317-G-A. GRCh37 (hg19) VCF-style: chr9-139333769-G-A.
Other names: c.103C>T, p.Arg35Cys (NM_001318502.2); short protein forms R35C.
Identifiers: ClinVar variation 2129332 (VCV002129332.4), dbSNP rs1301355865, ClinGen allele CA375571426.

ClinVar aggregate classification (germline): Uncertain significance (1 of 4 stars; one submission).

Conditions:
Joubert syndrome. Also called: CEREBELLOPARENCHYMAL DISORDER IV; JOUBERT-BOLTSHAUSER SYNDROME; Familial aplasia of the vermis. Identifiers: Orphanet 475, MedGen C5979921, MONDO:0018772.

Allele frequency attached by ClinVar (database versions not stated): gnomAD 0.00001.

Submission:

Labcorp Genetics (formerly Invitae), Labcorp
Classification: Uncertain significance for Joubert syndrome. Last evaluated: 2023-11-27. Review status: criteria provided, single submitter. Criteria: Invitae Variant Classification Sherloc (09022015). Collection method: clinical testing. Allele origin: germline.
Comment: This sequence change replaces arginine, which is basic and polar, with cysteine, which is neutral and slightly polar, at codon 35 of the INPP5E protein (p.Arg35Cys). This variant is present in population databases (no rsID available, gnomAD 0.01%). This variant has not been reported in the literature in individuals affected with INPP5E-related conditions. ClinVar contains an entry for this variant (Variation ID: 2129332). Advanced modeling of protein sequence and biophysical properties (such as structural, functional, and spatial information, amino acid conservation, physicochemical variation, residue mobility, and thermodynamic stability) performed at Invitae indicates that this missense variant is not expected to disrupt INPP5E protein function with a negative predictive value of 95%. In summary, the available evidence is currently insufficient to determine the role of this variant in disease. Therefore, it has been classified as a Variant of Uncertain Significance.